The following is an entry in ClinVar:

ClinVar aggregate classification (germline): Pathogenic (1 of 4 stars; one submission).

Conditions:
Pyruvate dehydrogenase E2 deficiency (PDHDD). Also called: Dihydrolipoamide Acetyltransferase (E2) Deficiency; LACTIC ACIDEMIA DUE TO DEFECT OF E2 LIPOYL TRANSACETYLASE OF THE PYRUVATE DEHYDROGENASE COMPLEX. Identifiers: Orphanet 765, Orphanet 79244, MedGen C1855565, MONDO:0009502, OMIM 245348.

Allele frequency attached by ClinVar (database versions not stated): TOPMed below 0.00001; gnomAD 0.00001; gnomAD exomes 0.00002; ExAC 0.00006.

Submission:

Labcorp Genetics (formerly Invitae), Labcorp
Classification: Pathogenic for Pyruvate dehydrogenase E2 deficiency. Last evaluated: 2023-12-31. Review status: criteria provided, single submitter. Criteria: Invitae Variant Classification Sherloc (09022015). Collection method: clinical testing. Allele origin: germline.
Comment: This sequence change creates a premature translational stop signal (p.Gln190*) in the DLAT gene. It is expected to result in an absent or disrupted protein product. Loss-of-function variants in DLAT are known to be pathogenic (PMID: 20022530, 23021068). This variant is present in population databases (rs782225633, gnomAD 0.03%). This variant has not been reported in the literature in individuals affected with DLAT-related conditions. For these reasons, this variant has been classified as Pathogenic.

Literature cited by the submitters: PubMed 20022530; PubMed 23021068.

NM_001931.5(DLAT):c.568C>T (p.Gln190Ter)

Gene: DLAT (dihydrolipoamide S-acetyltransferase; plus strand). Cytogenetic location: 11q23.1.
Variant type: single nucleotide variant.
Coding change: c.568C>T on transcript NM_001931.5 (MANE Select); coding-DNA position 568, C replaced by T.
Protein change: p.Gln190Ter; replaces glutamine 190 with a stop codon.
Molecular consequence: nonsense. On other transcripts: non-coding transcript variant (1), intron variant (2).
Genome position (GRCh38, 1-based): chr11:112,028,853, C>T. VCF-style: chr11-112028853-C-T. GRCh37 (hg19) VCF-style: chr11-111899577-C-T.
Other names: c.568C>T, p.Gln190Ter (NM_001372031.1, NM_001372032.1, NM_001372033.1 and 3 more transcripts); c.535C>T, p.Gln179Ter (NM_001372034.1); c.442C>T, p.Gln148Ter (NM_001372036.1); c.400C>T, p.Gln134Ter (NM_001372037.1); c.106C>T, p.Gln36Ter (NM_001372042.1); c.381+2554C>T (NM_001372038.1); c.364+2571C>T (NM_001372040.1); short protein forms Q190*, Q36*, Q148*, Q134*, Q179*.
Identifiers: ClinVar variation 2916183 (VCV002916183.3), dbSNP rs782225633, ClinGen allele CA501112.